The following is an entry in ClinVar:

NM_013447.4(ADGRE2):c.96G>T (p.Trp32Cys)

Gene: ADGRE2 (adhesion G protein-coupled receptor E2; minus strand). Cytogenetic location: 19p13.12.
Variant type: single nucleotide variant.
Coding change: c.96G>T on transcript NM_013447.4 (MANE Select); coding-DNA position 96, G replaced by T.
Protein change: p.Trp32Cys; replaces tryptophan 32 with cysteine.
Molecular consequence: missense variant.
Genome position (GRCh38, 1-based): chr19:14,774,041, C>A on the plus strand (G>T on the coding strand, the complement: ADGRE2 is on the minus strand). VCF-style: chr19-14774041-C-A. GRCh37 (hg19) VCF-style: chr19-14884853-C-A.
Other names: c.96G>T, p.Trp32Cys (NM_001271052.1, NM_152916.2, NM_152917.2); short protein forms W32C.
Identifiers: ClinVar variation 2027805 (VCV002027805.4), dbSNP rs2513353036, ClinGen allele CA404465619.

ClinVar aggregate classification (germline): Uncertain significance (1 of 4 stars; one submission).

Submission:

Labcorp Genetics (formerly Invitae), Labcorp
Classification: Uncertain significance. Last evaluated: 2022-09-13. Review status: criteria provided, single submitter. Criteria: Invitae Variant Classification Sherloc (09022015). Collection method: clinical testing. Allele origin: germline.
Comment: Algorithms developed to predict the effect of missense changes on protein structure and function are either unavailable or do not agree on the potential impact of this missense change (SIFT: "Tolerated"; PolyPhen-2: "Possibly Damaging"; Align-GVGD: "Class C0"). This variant has not been reported in the literature in individuals affected with ADGRE2-related conditions. This variant is not present in population databases (gnomAD no frequency). This sequence change replaces tryptophan, which is neutral and slightly polar, with cysteine, which is neutral and slightly polar, at codon 32 of the ADGRE2 protein (p.Trp32Cys). In summary, the available evidence is currently insufficient to determine the role of this variant in disease. Therefore, it has been classified as a Variant of Uncertain Significance.